The following is an entry in ClinVar:

NM_001379500.1(COL18A1):c.1495C>A (p.Pro499Thr)

Gene: COL18A1 (collagen type XVIII alpha 1 chain; plus strand). Cytogenetic location: 21q22.3.
Variant type: single nucleotide variant.
Coding change: c.1495C>A on transcript NM_001379500.1 (MANE Select); coding-DNA position 1495, C replaced by A.
Protein change: p.Pro499Thr; replaces proline 499 with threonine.
Molecular consequence: missense variant.
Genome position (GRCh38, 1-based): chr21:45,480,742, C>A. VCF-style: chr21-45480742-C-A. GRCh37 (hg19) VCF-style: chr21-46900656-C-A.
Other names: c.2035C>A, p.Pro679Thr (NM_030582.4); c.2740C>A, p.Pro914Thr (NM_130444.3); short protein forms P499T, P679T, P914T.
Identifiers: ClinVar variation 1362064 (VCV001362064.6), dbSNP rs1782614153, ClinGen allele CA410517678.
Genomic context (GRCh38, chr21:45,480,742, plus strand): 5'-GTGTTCGCCCACGTCCAGGGTCCTCGAGGCTTCCCTGGACCTCCCGGACCCCCCGGTGTC[C>A]CAGGCCTGCCCGGCGAGCCAGGCCGCTTTGGGGTGAACAGCTCCGACGTCCCAGGACCCG-3'
Protein context (NP_001366429.1, residues 489-509): FPGPPGPPGV[Pro499Thr]GLPGEPGRFG

ClinVar aggregate classification (germline): Uncertain significance (1 of 4 stars; one submission).

Submission:

Labcorp Genetics (formerly Invitae), Labcorp
Classification: Uncertain significance. Last evaluated: 2022-07-05. Review status: criteria provided, single submitter. Criteria: Invitae Variant Classification Sherloc (09022015). Collection method: clinical testing. Allele origin: germline.
Comment: Experimental studies and prediction algorithms are not available or were not evaluated, and the functional significance of this variant is currently unknown. This sequence change replaces proline with threonine at codon 499 of the COL18A1 protein (p.Pro499Thr). There is a small physicochemical difference between proline and threonine. This variant is not present in population databases (gnomAD no frequency). This variant has not been reported in the literature in individuals affected with COL18A1-related conditions. ClinVar contains an entry for this variant (Variation ID: 1362064). In summary, the available evidence is currently insufficient to determine the role of this variant in disease. Therefore, it has been classified as a Variant of Uncertain Significance.